The following is an entry in ClinVar:

NM_000535.7(PMS2):c.128T>G (p.Val43Gly)

Gene: PMS2 (PMS1 homolog 2, mismatch repair system component; minus strand). Cytogenetic location: 7p22.1.
Variant type: single nucleotide variant.
Coding change: c.128T>G on transcript NM_000535.7 (MANE Select); coding-DNA position 128, T replaced by G.
Protein change: p.Val43Gly; replaces valine 43 with glycine.
Molecular consequence: missense variant. On other transcripts: 5 prime UTR variant (8), non-coding transcript variant (1), intron variant (3).
Genome position (GRCh38, 1-based): chr7:6,005,927, A>C on the plus strand (T>G on the coding strand, the complement: PMS2 is on the minus strand). VCF-style: chr7-6005927-A-C. GRCh37 (hg19) VCF-style: chr7-6045558-A-C.
Other names: c.-278T>G (NM_001018040.1, NM_001322003.2, NM_001322005.2 and 11 more transcripts); c.128T>G, p.Val43Gly (NM_001322006.2, NM_001322014.2, NM_001406868.1 and 10 more transcripts); c.-88T>G (NM_001322007.2, NM_001406876.1, NM_001406883.1 and 4 more transcripts); c.-757T>G (NM_001322011.2, NM_001322012.2); c.-357T>G (NM_001322015.2, NM_001406875.1, NM_001406877.1 and 2 more transcripts); c.314T>G, p.Val105Gly (NM_001406866.1); c.-304T>G (NM_001406880.1); c.-225T>G (NM_001406888.1, NM_001406889.1, NM_001406892.1 and 5 more transcripts); and 4 more; short protein forms V43G, V105G.
Identifiers: ClinVar variation 1769074 (VCV001769074.2), dbSNP rs1162767274, ClinGen allele CA366745009.

ClinVar aggregate classification (germline): Uncertain significance (1 of 4 stars; one submission).

Conditions:
Hereditary cancer-predisposing syndrome. Also called: Hereditary Cancer Syndrome; Hereditary neoplastic syndrome; Neoplastic Syndromes, Hereditary; Tumor predisposition. Identifiers: Orphanet 140162, MedGen C0027672, MeSH D009386, MONDO:0015356.

Submission:

Ambry Genetics
Classification: Uncertain significance for Hereditary cancer-predisposing syndrome. Last evaluated: 2019-11-13. Review status: criteria provided, single submitter. Criteria: Ambry Variant Classification Scheme 2023. Collection method: clinical testing. Allele origin: germline.
Comment: The p.V43G variant (also known as c.128T>G), located in coding exon 2 of the PMS2 gene, results from a T to G substitution at nucleotide position 128. The valine at codon 43 is replaced by glycine, an amino acid with dissimilar properties. This amino acid position is not well conserved in available vertebrate species. In addition, this alteration is predicted to be deleterious by in silico analysis. Since supporting evidence is limited at this time, the clinical significance of this alteration remains unclear.